The following is an entry in ClinVar:

NM_001159699.2(FHL1):c.792C>G (p.Tyr264Ter)

Gene: FHL1 (four and a half LIM domains 1; plus strand). Cytogenetic location: Xq26.3.
Variant type: single nucleotide variant.
Coding change: c.792C>G on transcript NM_001159699.2 (MANE Select); coding-DNA position 792, C replaced by G.
Protein change: p.Tyr264Ter; replaces tyrosine 264 with a stop codon.
Molecular consequence: nonsense. On other transcripts: missense variant (6), non-coding transcript variant (1).
Genome position (GRCh38, 1-based): chrX:136,209,926, C>G. VCF-style: chrX-136209926-C-G. GRCh37 (hg19) VCF-style: chrX-135292085-C-G.
Other names: c.744C>G, p.Tyr248Ter (NM_001159700.2, NM_001159704.1, NM_001167819.1 and 4 more transcripts); c.831C>G, p.Tyr277Ter (NM_001159701.2); c.944C>G, p.Thr315Ser (NM_001159702.3, NM_001369326.1, NM_001369327.2 and 1 more transcripts); c.557C>G, p.Thr186Ser (NM_001159703.2); c.605C>G, p.Thr202Ser (NM_001330659.2); short protein forms T315S, Y277*, Y264*, T186S, T202S, Y248*.
Identifiers: ClinVar variation 2797468 (VCV002797468.3), dbSNP rs755385158, ClinGen allele CA414609732.

ClinVar aggregate classification (germline): Pathogenic (1 of 4 stars; one submission).

Conditions:
X-linked myopathy with postural muscle atrophy. Also called: FHL1-Related Emery-Dreifuss Muscular Dystrophy, X-Linked. Identifiers: Orphanet 178461, MedGen C2678055, MONDO:0010401, OMIM 300696.

Submission:

Labcorp Genetics (formerly Invitae), Labcorp
Classification: Pathogenic for X-linked myopathy with postural muscle atrophy. Last evaluated: 2025-03-28. Review status: criteria provided, single submitter. Criteria: Invitae Variant Classification Sherloc (09022015). Collection method: clinical testing. Allele origin: germline.
Comment: This sequence change creates a premature translational stop signal (p.Tyr248*) in the FHL1 gene. While this is not anticipated to result in nonsense mediated decay, it is expected to disrupt the last 33 amino acid(s) of the FHL1 protein. This variant is not present in population databases (gnomAD no frequency). This variant has not been reported in the literature in individuals affected with FHL1-related conditions. ClinVar contains an entry for this variant (Variation ID: 2797468). This variant disrupts a region of the FHL1 protein in which other variant(s) (p.Cys276Tyr) have been determined to be pathogenic (PMID: 19716112). This suggests that this is a clinically significant region of the protein, and that variants that disrupt it are likely to be disease-causing. For these reasons, this variant has been classified as Pathogenic.

Literature cited by the submitters: PubMed 19716112.